The following is an entry in ClinVar:

ClinVar aggregate classification (germline): Uncertain significance (1 of 4 stars; one submission).

Conditions:
Congenital sideroblastic anemia-B-cell immunodeficiency-periodic fever-developmental delay syndrome. Also called: Sideroblastic anemia with B-cell immunodeficiency, periodic fevers, and developmental delay. Identifiers: Orphanet 369861, MedGen C4015172, MONDO:0014487, OMIM 616084.

Allele frequency attached by ClinVar (database versions not stated): gnomAD exomes below 0.00001; ExAC 0.00001.
gnomAD v4.1: 1 of 1,539,564 alleles (0.000065%); highest among the groups gnomAD compares: Admixed American, 0.0021%; no homozygotes.

Submission:

Labcorp Genetics (formerly Invitae), Labcorp
Classification: Uncertain significance for Congenital sideroblastic anemia-B-cell immunodeficiency-periodic fever-developmental delay syndrome. Last evaluated: 2022-06-13. Review status: criteria provided, single submitter. Criteria: Invitae Variant Classification Sherloc (09022015). Collection method: clinical testing. Allele origin: germline.
Comment: In summary, the available evidence is currently insufficient to determine the role of this variant in disease. Therefore, it has been classified as a Variant of Uncertain Significance. Algorithms developed to predict the effect of missense changes on protein structure and function are either unavailable or do not agree on the potential impact of this missense change (SIFT: "Deleterious"; PolyPhen-2: "Possibly Damaging"; Align-GVGD: "Class C0"). This variant has not been reported in the literature in individuals affected with TRNT1-related conditions. This variant is present in population databases (rs757780903, gnomAD 0.004%). This sequence change replaces isoleucine, which is neutral and non-polar, with leucine, which is neutral and non-polar, at codon 198 of the TRNT1 protein (p.Ile198Leu).

NM_182916.3(TRNT1):c.592A>C (p.Ile198Leu)

Gene: TRNT1 (tRNA nucleotidyl transferase 1; plus strand). Cytogenetic location: 3p26.2.
Variant type: single nucleotide variant.
Coding change: c.592A>C on transcript NM_182916.3 (MANE Select); coding-DNA position 592, A replaced by C.
Protein change: p.Ile198Leu; replaces isoleucine 198 with leucine.
Molecular consequence: missense variant. On other transcripts: non-coding transcript variant (8).
Genome position (GRCh38, 1-based): chr3:3,144,694, A>C. VCF-style: chr3-3144694-A-C. GRCh37 (hg19) VCF-style: chr3-3186378-A-C.
Other names: c.592A>C, p.Ile198Leu (NM_001302946.2, NM_001367321.1, NM_001367322.1 and 1 more transcripts); short protein forms I198L.
Identifiers: ClinVar variation 1460971 (VCV001460971.8), dbSNP rs757780903, ClinGen allele CA2228718.